The following is an entry in ClinVar:

ClinVar aggregate classification (germline): Likely pathogenic (1 of 4 stars; one submission).

Conditions:
Usher syndrome. Also called: Usher Syndromes; Usher's syndrome. Identifiers: Orphanet 886, MedGen CN469326, MeSH D052245, MONDO:0019501. Disease mechanism: loss of function.

Submission:

Ophthalmic Genetics Group, Institute of Molecular and Clinical Ophthalmology Basel
Classification: Likely pathogenic for Usher syndrome. Last evaluated: 2023-07-24. Review status: criteria provided, single submitter. Criteria: ACMG Guidelines, 2015. Collection method: research. Allele origin: germline. Affected: yes. Observed: 1 variant allele.
Comment: Clinical significance based on ACMG v2.0

This variant was classified as Likely pathogenic based on ACMG criteria: PVS1, PM2.

Literature cited by the submitters: PubMed 36909829.

NM_000260.4(MYO7A):c.1929dup (p.Pro644fs)

Gene: MYO7A (myosin VIIA; plus strand). Cytogenetic location: 11q13.5.
Variant type: Duplication.
Coding change: c.1929dup on transcript NM_000260.4 (MANE Select); coding-DNA position 1929, one base duplicated (G; older notation c.1929dupG).
Protein change: p.Pro644fs; shifts the reading frame from proline 644.
Molecular consequence: frameshift variant.
Genome position (GRCh38, 1-based): chr11:77,172,879, G duplicated. VCF-style (leftmost placement, unchanged base first): chr11-77172878-A-AG. GRCh37 (hg19) VCF-style: chr11-76883924-A-AG.
Other names: NC_000011.9:g.76883925dup; NP_000251.3:p.(Pro644AlafsTer67); c.1929dup, p.Pro644fs (NM_001127180.2); c.1896dup, p.Pro633fs (NM_001369365.1); short protein forms P633fs, P644fs.
Identifiers: ClinVar variation 2577521 (VCV002577521.2), dbSNP rs2497044244, ClinGen allele CA2580617512.